The following is an entry in ClinVar:

NM_004260.4(RECQL4):c.574C>T (p.Gln192Ter)

Gene: RECQL4 (RecQ like helicase 4; minus strand). Cytogenetic location: 8q24.3.
Variant type: single nucleotide variant.
Coding change: c.574C>T on transcript NM_004260.4 (MANE Select); coding-DNA position 574, C replaced by T.
Protein change: p.Gln192Ter; replaces glutamine 192 with a stop codon.
Molecular consequence: nonsense.
Genome position (GRCh38, 1-based): chr8:144,516,545, G>A on the plus strand (C>T on the coding strand, the complement: RECQL4 is on the minus strand). VCF-style: chr8-144516545-G-A. GRCh37 (hg19) VCF-style: chr8-145741929-G-A.
Other names: short protein forms Q192*.
Identifiers: ClinVar variation 573617 (VCV000573617.5), dbSNP rs1564808132, ClinGen allele CA372690972.

ClinVar aggregate classification (germline): Pathogenic (1 of 4 stars; one submission).

Conditions:
Baller-Gerold syndrome (BGS). Also called: CRANIOSYNOSTOSIS WITH RADIAL DEFECTS. Identifiers: Orphanet 1225, MedGen C0265308, MONDO:0009039, OMIM 218600.

Submission:

Labcorp Genetics (formerly Invitae), Labcorp
Classification: Pathogenic for Baller-Gerold syndrome. Last evaluated: 2025-07-30. Review status: criteria provided, single submitter. Criteria: Invitae Variant Classification Sherloc (09022015). Collection method: clinical testing. Allele origin: germline.
Comment: This sequence change creates a premature translational stop signal (p.Gln192*) in the RECQL4 gene. It is expected to result in an absent or disrupted protein product. Loss-of-function variants in RECQL4 are known to be pathogenic (PMID: 12734318, 12952869). This variant is not present in population databases (gnomAD no frequency). This variant has not been reported in the literature in individuals affected with RECQL4-related conditions. ClinVar contains an entry for this variant (Variation ID: 573617). For these reasons, this variant has been classified as Pathogenic.

Literature cited by the submitters: PubMed 12734318; PubMed 12952869.